The following is an entry in ClinVar:

ClinVar aggregate classification (germline): Conflicting classifications of pathogenicity. Review status: criteria provided, conflicting classifications (1 of 4 stars). 5 submissions from 5 submitters: Uncertain significance (1); Likely benign (4). Last evaluated 2026-08-01.

Conditions:
de Barsy syndrome. Also called: Cutis laxa-corneal clouding-oligophrenia syndrome. Identifiers: Orphanet 2962, MedGen C0268354, MONDO:0017569.
Autosomal dominant spastic paraplegia type 9. Identifiers: MedGen C1832669, MONDO:0015091.
Cutis laxa, autosomal dominant 3 (ADCL3). Identifiers: Orphanet 90348, MedGen C4225268, MONDO:0014706, OMIM 616603.
ALDH18A1-related de Barsy syndrome. Also called: DE BARSY SYNDROME A; Cutis laxa, autosomal recessive IIIA. Identifiers: Orphanet 2962, Orphanet 35664, MedGen C5234852, MONDO:0009053, OMIM 219150.

Allele frequency attached by ClinVar (database versions not stated): ExAC 0.00038; gnomAD exomes 0.00043; ESP Exome Variant Server 0.00046; TOPMed 0.00057; gnomAD 0.00065 and 0.00070.
gnomAD v4.1: 1,185 of 1,613,984 alleles (0.073%); highest among the groups gnomAD compares: Non-Finnish European, 0.093%; 1 homozygote.

Submissions (5):

CeGaT Center for Human Genetics Tuebingen
Classification: Likely benign. Last evaluated: 2026-08-01. Review status: criteria provided, single submitter. Criteria: CeGaT Center For Human Genetics Tuebingen Variant Classification Criteria Version 2. Collection method: clinical testing. Allele origin: germline. Affected: yes. Observed: 6 variant alleles.
Comment: ALDH18A1: BP4

Labcorp Genetics (formerly Invitae), Labcorp
Classification: Likely benign for Autosomal dominant spastic paraplegia type 9; de Barsy syndrome; Cutis laxa, autosomal dominant 3. Last evaluated: 2026-01-30. Review status: criteria provided, single submitter. Criteria: Invitae Variant Classification Sherloc (09022015). Collection method: clinical testing. Allele origin: germline.

Blueprint Genetics
Classification: Likely benign. Last evaluated: 2024-11-24. Review status: criteria provided, single submitter. Criteria: ACMG Guidelines, 2015. Collection method: clinical testing. Allele origin: germline.

GeneDx
Classification: Likely benign. Last evaluated: 2020-12-15. Review status: criteria provided, single submitter. Criteria: GeneDx Variant Classification Process June 2021. Collection method: clinical testing. Allele origin: germline. Affected: yes.

Illumina Laboratory Services, Illumina
Classification: Uncertain significance for ALDH18A1-related de Barsy syndrome. Last evaluated: 2018-01-13. Review status: criteria provided, single submitter. Criteria: ICSL Variant Classification Criteria 13 December 2019. Collection method: clinical testing. Allele origin: germline.

NM_002860.4(ALDH18A1):c.2160C>T (p.Phe720=)

Gene: ALDH18A1 (aldehyde dehydrogenase 18 family member A1; minus strand). Cytogenetic location: 10q24.1.
Variant type: single nucleotide variant.
Coding change: c.2160C>T on transcript NM_002860.4 (MANE Select); coding-DNA position 2160, C replaced by T.
Protein change: p.Phe720=; no amino-acid change (phenylalanine 720 retained).
Molecular consequence: synonymous variant.
Genome position (GRCh38, 1-based): chr10:95,610,243, G>A on the plus strand (C>T on the coding strand, the complement: ALDH18A1 is on the minus strand). VCF-style: chr10-95610243-G-A. GRCh37 (hg19) VCF-style: chr10-97370000-G-A.
Other names: c.2154C>T, p.Phe718= (NM_001017423.2, NM_001323415.2); c.1827C>T, p.Phe609= (NM_001323412.2, NM_001323416.2); c.2160C>T, p.Phe720= (NM_001323413.2, NM_001323414.2); c.2055C>T, p.Phe685= (NM_001323417.2); c.1821C>T, p.Phe607= (NM_001323418.2); c.1524C>T, p.Phe508= (NM_001323419.2).
Identifiers: ClinVar variation 392692 (VCV000392692.58), dbSNP rs374052426, ClinGen allele CA5620124.